The following is an entry in ClinVar:

ClinVar aggregate classification (germline): Conflicting classifications of pathogenicity. Review status: criteria provided, conflicting classifications (1 of 4 stars). 2 submissions from 2 submitters: Likely pathogenic (1); Uncertain significance (1). Last evaluated 2025-07-03.

Conditions:
Mild to moderate NDD.

Submissions (2):

Genetics and Personalized Medicine, Danish Epilepsy Center
Classification: Likely pathogenic for Mild to moderate NDD. Last evaluated: 2025-07-03. Review status: criteria provided, single submitter. Criteria: ACMG Guidelines, 2015. Collection method: clinical testing. Allele origin: de novo. Inheritance: Autosomal recessive inheritance. Affected: yes. Observed: 2 compound heterozygotes. Clinical features observed: Mild to moderate intellectual disability, ASD, Dysmorphic features, Moderate to severe intellectual disability.
Comment: PM1, PM2, PP3, PP4

GeneDx
Classification: Uncertain significance. Last evaluated: 2019-09-03. Review status: criteria provided, single submitter. Criteria: GeneDx Variant Classification Process June 2021. Collection method: clinical testing. Allele origin: germline. Affected: yes.
Comment: Not observed in large population cohorts (Lek et al., 2016); In silico analysis, which includes protein predictors and evolutionary conservation, supports a deleterious effect; Has not been previously published as pathogenic or benign to our knowledge

NM_001378328.1(CELSR1):c.4436T>A (p.Leu1479His)

Gene: CELSR1 (cadherin EGF LAG seven-pass G-type receptor 1; minus strand). Cytogenetic location: 22q13.31.
Variant type: single nucleotide variant.
Coding change: c.4436T>A on transcript NM_001378328.1 (MANE Select); coding-DNA position 4436, T replaced by A.
Protein change: p.Leu1479His; replaces leucine 1479 with histidine.
Molecular consequence: missense variant.
Genome position (GRCh38, 1-based): chr22:46,436,260, A>T on the plus strand (T>A on the coding strand, the complement: CELSR1 is on the minus strand). VCF-style: chr22-46436260-A-T. GRCh37 (hg19) VCF-style: chr22-46832157-A-T.
Other names: c.4436T>A, p.Leu1479His (NM_014246.4); short protein forms L1479H.
Identifiers: ClinVar variation 1315700 (VCV001315700.3), dbSNP rs2147447737, ClinGen allele CA411922789.
Genomic context (GRCh38, chr22:46,436,260, plus strand): 5'-TCGTCCACGATCTCCAGGGCGATGAAGTCGTGCTTCTCATTGAAGCGGCCGTTGTAGAGA[A>T]GCAAGCCGTTCCTTTCCTGAGTGGCAAACCTGTGGGGCCAAGCAGAGGCACATCACAGGA-3'
Protein context (NP_001365257.1, residues 1469-1489): TFATQERNGL[Leu1479His]LYNGRFNEKH